The following is an entry in ClinVar:

NM_000494.4(COL17A1):c.530G>A (p.Arg177Gln)

Gene: COL17A1 (collagen type XVII alpha 1 chain; minus strand). Cytogenetic location: 10q25.1.
Variant type: single nucleotide variant.
Coding change: c.530G>A on transcript NM_000494.4 (MANE Select); coding-DNA position 530, G replaced by A.
Protein change: p.Arg177Gln; replaces arginine 177 with glutamine.
Molecular consequence: missense variant.
Genome position (GRCh38, 1-based): chr10:104,070,503, C>T on the plus strand (G>A on the coding strand, the complement: COL17A1 is on the minus strand). VCF-style: chr10-104070503-C-T. GRCh37 (hg19) VCF-style: chr10-105830261-C-T.
Other names: short protein forms R177Q.
Identifiers: ClinVar variation 1915097 (VCV001915097.4), dbSNP rs202160225, ClinGen allele CA5679384.

ClinVar aggregate classification (germline): Uncertain significance (1 of 4 stars; one submission).

Allele frequency attached by ClinVar (database versions not stated): TOPMed 0.00002; gnomAD 0.00004; gnomAD exomes 0.00004; ExAC 0.00005.
gnomAD v4.1: 72 of 1,614,010 alleles (0.0045%); highest among the groups gnomAD compares: Non-Finnish European, 0.0057%; no homozygotes.

Submission:

Labcorp Genetics (formerly Invitae), Labcorp
Classification: Uncertain significance. Last evaluated: 2025-04-19. Review status: criteria provided, single submitter. Criteria: Invitae Variant Classification Sherloc (09022015). Collection method: clinical testing. Allele origin: germline.
Comment: This sequence change replaces arginine, which is basic and polar, with glutamine, which is neutral and polar, at codon 177 of the COL17A1 protein (p.Arg177Gln). This variant is present in population databases (rs202160225, gnomAD 0.005%). This variant has not been reported in the literature in individuals affected with COL17A1-related conditions. ClinVar contains an entry for this variant (Variation ID: 1915097). Invitae Evidence Modeling of protein sequence and biophysical properties (such as structural, functional, and spatial information, amino acid conservation, physicochemical variation, residue mobility, and thermodynamic stability) has been performed for this missense variant. However, the output from this modeling did not meet the statistical confidence thresholds required to predict the impact of this variant on COL17A1 protein function. In summary, the available evidence is currently insufficient to determine the role of this variant in disease. Therefore, it has been classified as a Variant of Uncertain Significance.